The following is an entry in ClinVar:

NM_014639.4(SKIC3):c.4639A>G (p.Lys1547Glu)

Gene: SKIC3 (SKI3 subunit of superkiller complex; minus strand). Cytogenetic location: 5q15.
Variant type: single nucleotide variant.
Coding change: c.4639A>G on transcript NM_014639.4 (MANE Select); coding-DNA position 4639, A replaced by G.
Protein change: p.Lys1547Glu; replaces lysine 1547 with glutamic acid.
Molecular consequence: missense variant.
Genome position (GRCh38, 1-based): chr5:95,464,663, T>C on the plus strand (A>G on the coding strand, the complement: SKIC3 is on the minus strand). VCF-style: chr5-95464663-T-C. GRCh37 (hg19) VCF-style: chr5-94800367-T-C.
Other names: short protein forms K1547E.
Identifiers: ClinVar variation 2017945 (VCV002017945.1), dbSNP rs2530661854, ClinGen allele CA360456880.

ClinVar aggregate classification (germline): Uncertain significance (1 of 4 stars; one submission).

Submission:

Labcorp Genetics (formerly Invitae), Labcorp
Classification: Uncertain significance. Last evaluated: 2022-07-27. Review status: criteria provided, single submitter. Criteria: Invitae Variant Classification Sherloc (09022015). Collection method: clinical testing. Allele origin: germline.
Comment: This sequence change replaces lysine, which is basic and polar, with glutamic acid, which is acidic and polar, at codon 1547 of the TTC37 protein (p.Lys1547Glu). This variant is not present in population databases (gnomAD no frequency). This variant has not been reported in the literature in individuals affected with TTC37-related conditions. Algorithms developed to predict the effect of missense changes on protein structure and function output the following: SIFT: "Tolerated"; PolyPhen-2: "Benign"; Align-GVGD: "Class C0". The glutamic acid amino acid residue is found in multiple mammalian species, which suggests that this missense change does not adversely affect protein function. In summary, the available evidence is currently insufficient to determine the role of this variant in disease. Therefore, it has been classified as a Variant of Uncertain Significance.